The following is an entry in ClinVar:

ClinVar aggregate classification (germline): Conflicting classifications of pathogenicity. Review status: criteria provided, conflicting classifications (1 of 4 stars). 5 submissions from 5 submitters: Uncertain significance (1); Benign (1); Likely benign (3). Last evaluated 2026-10-01.

Conditions:
Sideroblastic anemia 2. Also called: Anemia, sideroblastic, 2, pyridoxine-refractory. Identifiers: Orphanet 260305, MedGen C4225425, MONDO:0008785, OMIM 205950.

Allele frequency attached by ClinVar (database versions not stated): gnomAD 0.00139 and 0.00132; ExAC 0.00147; 1000 Genomes Project 30x 0.00016; 1000 Genomes Project 0.00020; gnomAD exomes 0.00138 and 0.00237; TOPMed 0.00150; ESP Exome Variant Server 0.00177.
gnomAD v4.1: 3,614 of 1,614,136 alleles (0.22%); highest among the groups gnomAD compares: Non-Finnish European, 0.29%; 9 homozygotes.

Submissions (5):

CeGaT Center for Human Genetics Tuebingen
Classification: Likely benign. Last evaluated: 2026-10-01. Review status: criteria provided, single submitter. Criteria: CeGaT Center For Human Genetics Tuebingen Variant Classification Criteria Version 2. Collection method: clinical testing. Allele origin: germline. Affected: yes. Observed: 3 variant alleles.
Comment: SLC25A38: BP4, BP7

Labcorp Genetics (formerly Invitae), Labcorp
Classification: Benign. Last evaluated: 2026-01-24. Review status: criteria provided, single submitter. Criteria: Invitae Variant Classification Sherloc (09022015). Collection method: clinical testing. Allele origin: germline.

Blueprint Genetics
Classification: Likely benign. Last evaluated: 2024-11-23. Review status: criteria provided, single submitter. Criteria: ACMG Guidelines, 2015. Collection method: clinical testing. Allele origin: germline.

GeneDx
Classification: Likely benign. Last evaluated: 2021-06-17. Review status: criteria provided, single submitter. Criteria: GeneDx Variant Classification Process June 2021. Collection method: clinical testing. Allele origin: germline. Affected: yes.

Illumina Laboratory Services, Illumina
Classification: Uncertain significance for Sideroblastic anemia 2. Last evaluated: 2018-01-12. Review status: criteria provided, single submitter. Criteria: ICSL Variant Classification Criteria 13 December 2019. Collection method: clinical testing. Allele origin: germline.

NM_017875.4(SLC25A38):c.525G>C (p.Arg175=)

Gene: SLC25A38 (solute carrier family 25 member 38; plus strand). Cytogenetic location: 3p22.1.
Variant type: single nucleotide variant.
Coding change: c.525G>C on transcript NM_017875.4 (MANE Select); coding-DNA position 525, G replaced by C.
Protein change: p.Arg175=; no amino-acid change (arginine 175 retained).
Molecular consequence: synonymous variant.
Genome position (GRCh38, 1-based): chr3:39,391,921, G>C. VCF-style: chr3-39391921-G-C. GRCh37 (hg19) VCF-style: chr3-39433412-G-C.
Other names: c.525G>C, p.Arg175= (LRG_1133t1, NM_001354798.2).
Identifiers: ClinVar variation 382043 (VCV000382043.36), dbSNP rs149992222, ClinGen allele CA2327491.